The following is an entry in ClinVar:

ClinVar aggregate classification (germline): Uncertain significance. Review status: criteria provided, multiple submitters, no conflicts (2 of 4 stars). 2 submissions from 2 submitters: Uncertain significance (2). Last evaluated 2025-11-23.

Conditions:
Inborn genetic diseases. Identifiers: MedGen C0950123, MeSH D030342.
Fanconi anemia (FA). Also called: Fanconi's anemia. Identifiers: Orphanet 84, MedGen C0015625, MeSH D005199, MONDO:0019391.

gnomAD v4.1: 11 of 1,614,122 alleles (0.00068%); highest among the groups gnomAD compares: African/African-American, 0.0053%; no homozygotes.

Submissions (2):

Ambry Genetics
Classification: Uncertain significance for Inborn genetic diseases. Last evaluated: 2025-11-23. Review status: criteria provided, single submitter. Criteria: Ambry Variant Classification Scheme 2023. Collection method: clinical testing. Allele origin: germline.
Comment: The p.S700L variant (also known as c.2099C>T), located in coding exon 23 of the FANCA gene, results from a C to T substitution at nucleotide position 2099. The serine at codon 700 is replaced by leucine, an amino acid with dissimilar properties. This amino acid position is conserved. In addition, this alteration is predicted to be tolerated by in silico analysis. Based on the available evidence, the clinical significance of this variant remains unclear.

Labcorp Genetics (formerly Invitae), Labcorp
Classification: Uncertain significance for Fanconi anemia. Last evaluated: 2024-02-05. Review status: criteria provided, single submitter. Criteria: Invitae Variant Classification Sherloc (09022015). Collection method: clinical testing. Allele origin: germline.
Comment: This sequence change replaces serine, which is neutral and polar, with leucine, which is neutral and non-polar, at codon 700 of the FANCA protein (p.Ser700Leu). This variant is present in population databases (rs113436495, gnomAD no frequency). This variant has not been reported in the literature in individuals affected with FANCA-related conditions. ClinVar contains an entry for this variant (Variation ID: 2178696). Advanced modeling of protein sequence and biophysical properties (such as structural, functional, and spatial information, amino acid conservation, physicochemical variation, residue mobility, and thermodynamic stability) performed at Invitae indicates that this missense variant is not expected to disrupt FANCA protein function with a negative predictive value of 80%. In summary, the available evidence is currently insufficient to determine the role of this variant in disease. Therefore, it has been classified as a Variant of Uncertain Significance.

NM_000135.4(FANCA):c.2099C>T (p.Ser700Leu)

Gene: FANCA (FA complementation group A; minus strand). Cytogenetic location: 16q24.3.
Variant type: single nucleotide variant.
Coding change: c.2099C>T on transcript NM_000135.4 (MANE Select); coding-DNA position 2099, C replaced by T.
Protein change: p.Ser700Leu; replaces serine 700 with leucine.
Molecular consequence: missense variant.
Genome position (GRCh38, 1-based): chr16:89,771,730, G>A on the plus strand (C>T on the coding strand, the complement: FANCA is on the minus strand). VCF-style: chr16-89771730-G-A. GRCh37 (hg19) VCF-style: chr16-89838138-G-A.
Other names: c.2099C>T, p.Ser700Leu (NM_001286167.3); short protein forms S700L.
Identifiers: ClinVar variation 2178696 (VCV002178696.5), dbSNP rs113436495, ClinGen allele CA286566550.
Genomic context (GRCh38, chr16:89,771,730, plus strand): 5'-ACACCTACCATGTGTTCCCGTGGCTCCAGTCTCGGCGTGTTGATGCTGAGCTGAATCTTT[G>A]ATATCTCAACGCTGCTGTCATCCTCATTGTGGCCCAGGACAGCCCTCAGTCTTTCAGAAA-3'
Protein context (NP_000126.2, residues 690-710): HNEDDSSVEI[Ser700Leu]KIQLSINTPR